The following is an entry in ClinVar:

ClinVar aggregate classification (germline): Benign (1 of 4 stars; one submission).

Submission:

ISCA site 4
Classification: Benign. Last evaluated: 2011-08-12. Review status: criteria provided, single submitter. Criteria: Kaminsky et al. (Genet Med. 2011). Collection method: clinical testing. Allele origin: unknown. Affected: yes. Observed: 34 variant alleles. Clinical features observed: Developmental delay AND/OR other significant developmental or morphological phenotypes, Failure to thrive (HP:0001535), Abnormality of the cardiovascular system (HP:0001626), Ventricular septal defect (HP:0001629), Genital hypoplasia (HP:0003241), Global developmental delay (HP:0001263), Abnormality of the nervous system (HP:0000707), Respiratory distress (HP:0002098), Pleural effusion (HP:0002202), Generalized muscle weakness (HP:0003324), Abnormality of the bladder (HP:0000014), Intellectual disability (HP:0001249), and 7 more.
Comment: Copy number variation identified through the course of routine clinical cytogenomic testing in postnatal populations. Clinical assertions have been curated as described in Kaminsky et al. 2011.

GRCh38/hg38 6p25.3(chr6:259528-339802)x3

Genes: DUSP22 (dual specificity phosphatase 22; plus strand), LOC126859546 (BRD4-independent group 4 enhancer GRCh37_chr6:329543-330742; plus strand), LOC129995536 (ATAC-STARR-seq lymphoblastoid active region 23815; plus strand), LOC129995537 (ATAC-STARR-seq lymphoblastoid active region 23816; plus strand), LOC129995538 (ATAC-STARR-seq lymphoblastoid active region 23818; plus strand) and 17 more. Cytogenetic location: 6p25.3.
Variant type: copy number gain.
Change: copy number 3 (three copies instead of two) of chr6:259,528-339,802 (80.3 kb, GRCh38 coordinates, 1-based), cytogenetic band 6p25.3.
Identifiers: ClinVar variation 160991 (VCV000160991.1).